The following is an entry in ClinVar:

ClinVar aggregate classification (germline): Uncertain significance. Review status: criteria provided, multiple submitters, no conflicts (2 of 4 stars). 3 submissions from 3 submitters: Uncertain significance (3). Last evaluated 2026-05-29.

Conditions:
Cardiovascular phenotype. Identifiers: MedGen CN230736.
Erythrokeratodermia variabilis et progressiva 6. Identifiers: MedGen C5193144, MONDO:0032801, OMIM 618531.
Progressive familial heart block type IB (PFHB1B). Identifiers: Orphanet 871, MedGen C1970298, MONDO:0011474, OMIM 604559.

Submissions (3):

Ambry Genetics
Classification: Uncertain significance for Cardiovascular phenotype. Last evaluated: 2026-05-29. Review status: criteria provided, single submitter. Criteria: Ambry Variant Classification Scheme 2023. Collection method: clinical testing. Allele origin: germline.
Comment: The c.1993_1999delGCCTTCT variant, located in coding exon 14 of the TRPM4 gene, results from a deletion of 7 nucleotides at nucleotide positions 1993 to 1999, causing a translational frameshift with a predicted alternate stop codon (p.A665Lfs*10). This variant is expected to result in protein truncation or nonsense-mediated mRNA decay. However, loss of function has not been established as a mechanism of disease. Based on the available evidence, the clinical significance of this variant remains unclear.

Labcorp Genetics (formerly Invitae), Labcorp
Classification: Uncertain significance for Progressive familial heart block type IB. Last evaluated: 2025-11-16. Review status: criteria provided, single submitter. Criteria: Invitae Variant Classification Sherloc (09022015). Collection method: clinical testing. Allele origin: germline.
Comment: This sequence change creates a premature translational stop signal (p.Ala665Leufs*10) in the TRPM4 gene. It is expected to result in an absent or disrupted protein product. However, the current clinical and genetic evidence is not sufficient to establish whether loss-of-function variants in TRPM4 cause disease. This variant is present in population databases (rs751139020, gnomAD 0.002%). This variant has not been reported in the literature in individuals affected with TRPM4-related conditions. ClinVar contains an entry for this variant (Variation ID: 1427625). In summary, the available evidence is currently insufficient to determine the role of this variant in disease. Therefore, it has been classified as a Variant of Uncertain Significance.

Fulgent Genetics
Classification: Uncertain significance for Progressive familial heart block type IB; Erythrokeratodermia variabilis et progressiva 6. Last evaluated: 2022-04-15. Review status: criteria provided, single submitter. Criteria: ACMG Guidelines, 2015. Collection method: clinical testing. Allele origin: unknown.

NM_017636.4(TRPM4):c.1993_1999del (p.Ala665fs)

Gene: TRPM4 (transient receptor potential cation channel subfamily M member 4; plus strand). Cytogenetic location: 19q13.33.
Variant type: Deletion.
Coding change: c.1993_1999del on transcript NM_017636.4 (MANE Select); coding-DNA positions 1993 to 1999, 7 bases deleted (GCCTTCT; older notation c.1993_1999delGCCTTCT).
Protein change: p.Ala665fs; shifts the reading frame from alanine 665.
Molecular consequence: frameshift variant.
Genome position (GRCh38, 1-based): chr19:49,189,065-49,189,071, GCCTTCT deleted; deleting any 7 consecutive bases within chr19:49,189,064-49,189,071 gives the same sequence; the c. name uses the placement nearest the transcript's 3' end. VCF-style (leftmost placement, unchanged base first): chr19-49189063-GTGCCTTC-G. GRCh37 (hg19) VCF-style: chr19-49692320-GTGCCTTC-G.
Other names: c.1993_1999delGCCTTCT (NM_017636.3); c.1993_1999del, p.Ala665fs (NM_001195227.2); c.1648_1654del, p.Ala550fs (NM_001321281.2); c.385_391del, p.Ala129fs (NM_001321282.2); c.1471_1477del, p.Ala491fs (NM_001321283.2); c.931_937del, p.Ala311fs (NM_001321285.2); short protein forms A491fs, A550fs, A665fs, A311fs, A129fs.
Identifiers: ClinVar variation 1427625 (VCV001427625.8), dbSNP rs751139020, ClinGen allele CA9569393.